The following is an entry in ClinVar:

ClinVar aggregate classification (germline): Uncertain significance (1 of 4 stars; one submission).

Allele frequency attached by ClinVar (database versions not stated): gnomAD exomes below 0.00001.

Submission:

GeneDx
Classification: Uncertain significance. Last evaluated: 2024-04-30. Review status: criteria provided, single submitter. Criteria: GeneDx Variant Classification Process June 2021. Collection method: clinical testing. Allele origin: germline. Affected: yes.
Comment: Not observed at significant frequency in large population cohorts (gnomAD); In silico analysis supports that this missense variant has a deleterious effect on protein structure/function; Has not been previously published as pathogenic or benign to our knowledge

NM_016333.4(SRRM2):c.679C>T (p.Arg227Cys)

Gene: SRRM2 (serine/arginine repetitive matrix 2; plus strand). Cytogenetic location: 16p13.3.
Variant type: single nucleotide variant.
Coding change: c.679C>T on transcript NM_016333.4 (MANE Select); coding-DNA position 679, C replaced by T.
Protein change: p.Arg227Cys; replaces arginine 227 with cysteine.
Molecular consequence: missense variant.
Genome position (GRCh38, 1-based): chr16:2,759,162, C>T. VCF-style: chr16-2759162-C-T. GRCh37 (hg19) VCF-style: chr16-2809163-C-T.
Other names: short protein forms R227C.
Identifiers: ClinVar variation 2572000 (VCV002572000.4), dbSNP rs1374617240, ClinGen allele CA394405483.